The following is an entry in ClinVar:

NM_004663.5(RAB11A):c.451A>G (p.Ile151Val)

Gene: RAB11A (RAB11A, member RAS oncogene family; plus strand). Cytogenetic location: 15q22.31.
Variant type: single nucleotide variant.
Coding change: c.451A>G on transcript NM_004663.5 (MANE Select); coding-DNA position 451, A replaced by G.
Protein change: p.Ile151Val; replaces isoleucine 151 with valine.
Molecular consequence: missense variant. On other transcripts: intron variant (1).
Genome position (GRCh38, 1-based): chr15:65,879,691, A>G. VCF-style: chr15-65879691-A-G. GRCh37 (hg19) VCF-style: chr15-66172029-A-G.
Other names: c.439+12A>G (NM_001206836.2); c.451A>G (NM_004663.4); short protein forms I151V.
Identifiers: ClinVar variation 2985247 (VCV002985247.4), dbSNP rs1292123777, ClinGen allele CA392923220.

ClinVar aggregate classification (germline): Conflicting classifications of pathogenicity. Review status: criteria provided, conflicting classifications (1 of 4 stars). 2 submissions from 2 submitters: Uncertain significance (1); Likely benign (1). Last evaluated 2026-08-02.

Conditions:
RAB11A-related disorder. Also called: RAB11A-related condition.

Allele frequency attached by ClinVar (database versions not stated): gnomAD exomes below 0.00001.
gnomAD v4.1: 3 of 1,597,554 alleles (0.00019%); highest among the groups gnomAD compares: Admixed American, 0.0034%; no homozygotes.

Submissions (2):

PreventionGenetics, part of Exact Sciences
Classification: Uncertain significance for RAB11A-related condition. Last evaluated: 2026-08-02. Review status: criteria provided, single submitter. Criteria: ACMG Guidelines, 2015. Collection method: clinical testing. Allele origin: germline.
Comment: The RAB11A c.451A>G variant is predicted to result in the amino acid substitution p.Ile151Val. To our knowledge, this variant has not been reported in the literature. This variant is reported in 0.0059% of alleles in individuals of Latino descent in gnomAD. At this time, the clinical significance of this variant is uncertain due to the absence of conclusive functional and genetic evidence.

Labcorp Genetics (formerly Invitae), Labcorp
Classification: Likely benign. Last evaluated: 2025-03-19. Review status: criteria provided, single submitter. Criteria: Invitae Variant Classification Sherloc (09022015). Collection method: clinical testing. Allele origin: germline.